The following is an entry in ClinVar:

ClinVar aggregate classification (germline): Uncertain significance. Review status: criteria provided, multiple submitters, no conflicts (2 of 4 stars). 5 submissions from 5 submitters: Uncertain significance (5). Last evaluated 2024-12-10.

Conditions:
RASopathy. Also called: rasopathies; Noonan spectrum disorder. Identifiers: Orphanet 536391, MedGen C5555857, MONDO:0021060.
Noonan syndrome (NS). Also called: Noonan's syndrome. Identifiers: Orphanet 648, MedGen C0028326, MeSH D009634, MONDO:0018997. Disease mechanism: gain of function.
LEOPARD syndrome 2 (LPRD2). Also called: RAF1-Related LEOPARD Syndrome. Identifiers: Orphanet 500, MedGen C1969056, MONDO:0012691, OMIM 611554.

Allele frequency attached by ClinVar (database versions not stated): gnomAD exomes below 0.00001.
gnomAD v4.1: 3 of 1,614,114 alleles (0.00019%); highest among the groups gnomAD compares: Non-Finnish European, 0.00025%; no homozygotes.

Submissions (5):

Labcorp Genetics (formerly Invitae), Labcorp
Classification: Uncertain significance for RASopathy. Last evaluated: 2024-12-10. Review status: criteria provided, single submitter. Criteria: Invitae Variant Classification Sherloc (09022015). Collection method: clinical testing. Allele origin: germline.
Comment: This sequence change replaces methionine, which is neutral and non-polar, with valine, which is neutral and non-polar, at codon 76 of the RAF1 protein (p.Met76Val). This variant is not present in population databases (gnomAD no frequency). This variant has not been reported in the literature in individuals affected with RAF1-related conditions. ClinVar contains an entry for this variant (Variation ID: 181507). Invitae Evidence Modeling incorporating data from in vitro experimental studies (internal data) did not meet the statistical confidence thresholds required to predict the impact of this variant on RAF1 function. In summary, the available evidence is currently insufficient to determine the role of this variant in disease. Therefore, it has been classified as a Variant of Uncertain Significance.

St. Jude Molecular Pathology, St. Jude Children's Research Hospital
Classification: Uncertain significance for Noonan syndrome. Last evaluated: 2020-09-22. Review status: criteria provided, single submitter. Criteria: St. Jude Assertion Criteria 2020. Collection method: clinical testing. Allele origin: germline.

Mendelics
Classification: Uncertain significance for LEOPARD syndrome 2. Last evaluated: 2019-05-28. Review status: criteria provided, single submitter. Criteria: Mendelics Assertion Criteria 2017. Collection method: clinical testing. Allele origin: unknown.

Stanford Center for Inherited Cardiovascular Disease, Stanford University
Classification: Uncertain significance. Last evaluated: 2014-03-27. Review status: criteria provided, single submitter. Criteria: ACMG Guidelines, 2015. Collection method: provider interpretation. Allele origin: germline.

GeneDx
Classification: Uncertain significance. Last evaluated: 2014-03-24. Review status: criteria provided, single submitter. Criteria: GeneDx Variant Classification (06012015). Collection method: clinical testing. Allele origin: germline. Affected: yes.
Comment: p.Met76Val (ATG>GTG): c.226 A>G in exon 3 of the RAF1 gene (NM_002880.3) Mutations in the RAF1 gene are associated with Noonan spectrum disorders, including Noonan syndrome and LEOPARD syndrome. Germline RAF1 mutations occur in as many as 17% of patients with Noonan syndrome (Allanson J et al., 2011). The M76V variant has not been published as a mutation, nor has it been reported as a benign polymorphism to our knowledge. The M76V variant was not observed in approximately 6,500 individuals of European and African American ancestry in the NHLBI Exome Sequencing Project, indicating it is not a common benign variant in these populations. Although the M76V variant is a conservative amino acid substitution, which is not likely to impact secondary protein structure as these residues share similar properties, this substitution occurs at a position that is conserved across species. In silico analysis is inconsistent in its predictions as to whether or not the variant is damaging to the protein structure/function. No missense mutations in nearby residues have been reported in association with Noonan spectrum disorder or cardiomyopathy, suggesting this region of the protein may be tolerant of change. Therefore, based on the currently available information, it is unclear whether this variant is a pathogenic mutation or a rare benign variant. The variant is found in CARDIOMYOPATHY panel(s).

NM_002880.4(RAF1):c.226A>G (p.Met76Val)

Gene: RAF1 (Raf-1 proto-oncogene, serine/threonine kinase; minus strand). Cytogenetic location: 3p25.2.
Variant type: single nucleotide variant.
Coding change: c.226A>G on transcript NM_002880.4 (MANE Select); coding-DNA position 226, A replaced by G.
Protein change: p.Met76Val; replaces methionine 76 with valine.
Molecular consequence: missense variant. On other transcripts: non-coding transcript variant (3), intron variant (4).
Genome position (GRCh38, 1-based): chr3:12,612,044, T>C on the plus strand (A>G on the coding strand, the complement: RAF1 is on the minus strand). VCF-style: chr3-12612044-T-C. GRCh37 (hg19) VCF-style: chr3-12653543-T-C.
Other names: p.M76V:ATG>GTG; c.226A>G, p.Met76Val (NM_001354689.3, NM_001354690.3, NM_001354693.3); c.78-2709A>G (NM_001354695.3, NM_001354692.3, NM_001354694.3 and 1 more transcripts); short protein forms M76V.
Identifiers: ClinVar variation 181507 (VCV000181507.9), dbSNP rs730880999, ClinGen allele CA297106.
Genomic context (GRCh38, chr3:12,612,044, plus strand): 5'-AGCACTCTGGTTGCAGGCCCCTCACCTTGAGTGCTTTCATAAGGCAGTCATGCAAGCTCA[T>C]TCCATTTCGCACATTGACCTACAAACAAAGGACCACCTTTAGGACCAACACAGGCTGCAG-3'
Protein context (NP_002871.1, residues 66-86): QRTVVNVRNG[Met76Val]SLHDCLMKAL